The following is an entry in ClinVar:

ClinVar aggregate classification (germline): Pathogenic (1 of 4 stars; one submission).

Submission:

Labcorp Genetics (formerly Invitae), Labcorp
Classification: Pathogenic. Last evaluated: 2023-04-06. Review status: criteria provided, single submitter. Criteria: Invitae Variant Classification Sherloc (09022015). Collection method: clinical testing. Allele origin: germline.
Comment: For these reasons, this variant has been classified as Pathogenic. This variant has not been reported in the literature in individuals affected with USH2A-related conditions. This variant is not present in population databases (gnomAD no frequency). This sequence change creates a premature translational stop signal (p.Ser4588Phefs*8) in the USH2A gene. It is expected to result in an absent or disrupted protein product. Loss-of-function variants in USH2A are known to be pathogenic (PMID: 10729113, 10909849, 20507924, 25649381).

Literature cited by the submitters: PubMed 10729113; PubMed 10909849; PubMed 20507924; PubMed 25649381.

NM_206933.4(USH2A):c.13763del (p.Ser4588fs)

Gene: USH2A (usherin; minus strand). Cytogenetic location: 1q41.
Variant type: Deletion.
Coding change: c.13763del on transcript NM_206933.4 (MANE Select); coding-DNA position 13763, one base deleted (C; older notation c.13763delC).
Protein change: p.Ser4588fs; shifts the reading frame from serine 4588.
Molecular consequence: frameshift variant.
Genome position (GRCh38, 1-based): chr1:215,674,148, G deleted on the plus strand (C on the coding strand, the reverse complement: USH2A is on the minus strand). VCF-style (leftmost placement, unchanged base first): chr1-215674147-AG-A. GRCh37 (hg19) VCF-style: chr1-215847489-AG-A.
Other names: short protein forms S4588fs.
Identifiers: ClinVar variation 2852374 (VCV002852374.3), dbSNP rs2464893056, ClinGen allele CA2739275674.
Genomic context (GRCh38, chr1:215,674,147, plus strand): 5'-CATGGCTACCTACCTGTGAAATGGCTTCAGCTGGTTTACTATATATGACTGCATACCAAA[AG>A]AATTATGAGTTGTGTTTATGTGTATGATTTTAGTTTCTCTTTCAAATAGTTCACGGATGA-3'